The following is an entry in ClinVar:

NM_000059.4(BRCA2):c.3211_3212dup (p.Leu1072fs)

Gene: BRCA2 (BRCA2 DNA repair associated; plus strand). Cytogenetic location: 13q13.1.
Variant type: Microsatellite.
Coding change: c.3211_3212dup on transcript NM_000059.4 (MANE Select); coding-DNA positions 3211 to 3212, 2 bases duplicated (CA; older notation c.3211_3212dupCA).
Protein change: p.Leu1072fs; shifts the reading frame from leucine 1072.
Molecular consequence: frameshift variant.
Genome position (GRCh38, 1-based): chr13:32,337,566-32,337,567, CA duplicated; duplicating any 2 consecutive bases within chr13:32,337,564-32,337,567 gives the same sequence; the c. name uses the placement nearest the transcript's 3' end. VCF-style (leftmost placement, unchanged base first): chr13-32337563-G-GCA. GRCh37 (hg19) VCF-style: chr13-32911700-G-GCA.
Other names: short protein forms L1072fs.
Identifiers: ClinVar variation 1192198 (VCV001192198.1), dbSNP rs2137494347, ClinGen allele CA2580614692.

ClinVar aggregate classification (germline): Likely pathogenic (1 of 4 stars; one submission).

Conditions:
Hereditary breast ovarian cancer syndrome. Also called: Hereditary breast and ovarian cancer syndrome; Breast and ovarian cancer; Hereditary breast and ovarian cancer syndrome (HBOC); Hereditary breast and/or ovarian cancer syndrome; BRCA1- and BRCA2-Associated Hereditary Breast and Ovarian Cancer; Hereditary breast and ovarian cancer. Identifiers: Orphanet 145, MedGen C0677776, MeSH D061325, MONDO:0003582. Disease mechanism: loss of function.

Submission:

Women's Health and Genetics/Laboratory Corporation of America, LabCorp
Classification: Likely pathogenic for Hereditary breast ovarian cancer syndrome. Last evaluated: 2021-07-23. Review status: criteria provided, single submitter. Criteria: LabCorp Variant Classification Summary - May 2015. Collection method: clinical testing. Allele origin: germline.
Comment: Variant summary: BRCA2 c.3211_3212dupCA (p.Leu1072IlefsX6) results in a premature termination codon, predicted to cause a truncation of the encoded protein or absence of the protein due to nonsense mediated decay, which are commonly known mechanisms for disease. Truncations downstream of this position have been classified as pathogenic by our laboratory. The variant was absent in 245554 control chromosomes (gnomAD). To our knowledge, no occurrence of c.3211_3212dupCA in individuals affected with Hereditary Breast and Ovarian Cancer Syndrome and no experimental evidence demonstrating its impact on protein function have been reported. No clinical diagnostic laboratories have submitted clinical-significance assessments for this variant to ClinVar after 2014. Based on the evidence outlined above, the variant was classified as likely pathogenic.